The following is an entry in ClinVar:

NM_001165963.4(SCN1A):c.2483_2484del (p.Phe828fs)

Gene: SCN1A (sodium voltage-gated channel alpha subunit 1; minus strand). Cytogenetic location: 2q24.3.
Variant type: Deletion.
Coding change: c.2483_2484del on transcript NM_001165963.4 (MANE Select); coding-DNA positions 2483 to 2484, 2 bases deleted (TC; older notation c.2483_2484delTC).
Protein change: p.Phe828fs; shifts the reading frame from phenylalanine 828.
Molecular consequence: frameshift variant. On other transcripts: non-coding transcript variant (1).
Genome position (GRCh38, 1-based): chr2:166,039,528-166,039,529, GA deleted on the plus strand (TC on the coding strand, the reverse complement: SCN1A is on the minus strand). VCF-style (leftmost placement, unchanged base first): chr2-166039527-GGA-G. GRCh37 (hg19) VCF-style: chr2-166896037-GGA-G.
Other names: c.2399_2400del, p.Phe800fs (NM_001165964.3, NM_001353957.2, NM_001353958.2); c.2483_2484del, p.Phe828fs (NM_001202435.3, NM_001353948.2); c.2450_2451del, p.Phe817fs (NM_001353949.2, NM_001353950.2, NM_001353951.2 and 2 more transcripts); c.2447_2448del, p.Phe816fs (NM_001353954.2, NM_001353955.2); c.2396_2397del, p.Phe799fs (NM_001353960.2); c.41_42del, p.Phe14fs (NM_001353961.2); short protein forms F14fs, F799fs, F800fs, F816fs, F817fs, F828fs.
Identifiers: ClinVar variation 3600396 (VCV003600396.1).
Genomic context (GRCh38, chr2:166,039,527, plus strand): 5'-GTCCAAGTTCTACCAGGCTAAGCGTCACAATAAAACCGTCAAAGATATTCCAGCCTTCTT[GGA>G]AATAATAGTAAGGATCCATGGCAATAATTTTCAGAAACATTTCTGCTGTAAAGATCCCAG-3'

ClinVar aggregate classification (germline): Pathogenic (1 of 4 stars; one submission).

Conditions:
Severe myoclonic epilepsy in infancy (DRVT). Also called: Dravet syndrome; Epileptic encephalopathy, early infantile, 6 (Dravet syndrome); SEVERE MYOCLONIC EPILEPSY OF INFANCY; DEVELOPMENTAL AND EPILEPTIC ENCEPHALOPATHY 6A; Severe Myoclonic Epilepsy in Infancy (SMEI). Identifiers: Orphanet 33069, MedGen C0751122, MONDO:0100135, OMIM 607208.
Generalized epilepsy with febrile seizures plus, type 2 (GEFSP2). Also called: GEFS+, TYPE 2. Identifiers: Orphanet 36387, MedGen C1858673, MONDO:0011461, OMIM 604403.

Submission:

Clinical Genomics Laboratory, Washington University in St. Louis
Classification: Pathogenic for Generalized epilepsy with febrile seizures plus, type 2; Severe myoclonic epilepsy in infancy. Last evaluated: 2024-05-02. Review status: criteria provided, single submitter. Criteria: ACMG Guidelines, 2015. Collection method: clinical testing. Allele origin: germline. Affected: yes.
Comment: The SCN1A c.2483_2484del (p.Phe828Serfs*8) variant, to our knowledge, has not been reported in the medical literature and is absent from the general population (gnomAD v.2.1.1), indicating it is not a common variant. This variant causes a frameshift by deleting 2 nucleotides, leading to a premature termination codon, which is predicted to lead to nonsense mediated decay. Additionally, other variants that introduce a premature termination codon in this region have been described in affected individuals and are considered pathogenic (Xu X et al., PMID: 26096185). Based on available information and the ACMG/AMP guidelines for variant interpretation (Richards S et al., PMID: 25741868), this variant is classified as pathogenic.